The following is an entry in ClinVar:

ClinVar aggregate classification (germline): Uncertain significance (1 of 4 stars; one submission).

Conditions:
Hereditary cancer-predisposing syndrome. Also called: Hereditary neoplastic syndrome; Neoplastic Syndromes, Hereditary; Tumor predisposition; Hereditary Cancer Syndrome. Identifiers: Orphanet 140162, MedGen C0027672, MeSH D009386, MONDO:0015356.

Submission:

Ambry Genetics
Classification: Uncertain significance for Hereditary cancer-predisposing syndrome. Last evaluated: 2025-07-12. Review status: criteria provided, single submitter. Criteria: Ambry Variant Classification Scheme 2023. Collection method: clinical testing. Allele origin: germline.
Comment: The p.D525E variant (also known as c.1575T>A), located in coding exon 4 of the PALB2 gene, results from a T to A substitution at nucleotide position 1575. The aspartic acid at codon 525 is replaced by glutamic acid, an amino acid with highly similar properties. This amino acid position is conserved. In addition, this alteration is predicted to be tolerated by in silico analysis. Based on the available evidence, the clinical significance of this variant remains unclear.

NM_024675.4(PALB2):c.1575T>A (p.Asp525Glu)

Gene: PALB2 (partner and localizer of BRCA2; minus strand). Cytogenetic location: 16p12.2.
Variant type: single nucleotide variant.
Coding change: c.1575T>A on transcript NM_024675.4 (MANE Select); coding-DNA position 1575, T replaced by A.
Protein change: p.Asp525Glu; replaces aspartic acid 525 with glutamic acid.
Molecular consequence: missense variant. On other transcripts: intron variant (3).
Genome position (GRCh38, 1-based): chr16:23,634,971, A>T on the plus strand (T>A on the coding strand, the complement: PALB2 is on the minus strand). VCF-style: chr16-23634971-A-T. GRCh37 (hg19) VCF-style: chr16-23646292-A-T.
Other names: c.1575T>A, p.Asp525Glu (NM_001407302.1, NM_001407297.1, NM_001407298.1 and 3 more transcripts); c.690T>A, p.Asp230Glu (NM_001407304.1, NM_001407305.1, NM_001407306.1 and 5 more transcripts); c.1515T>A, p.Asp505Glu (NM_001407296.1); c.49-5696T>A (NM_001407314.1); c.-104-4502T>A (NM_001407313.1, NM_001407312.1); short protein forms D505E, D230E, D525E.
Identifiers: ClinVar variation 4130326 (VCV004130326.1).
Genomic context (GRCh38, chr16:23,634,971, plus strand): 5'-TTCTTCCTTGGACCTGTTAACAATCGACAGGCTAGAAGTTGGCAAAAGTGGTTCACAATG[A>T]TCTGATGCTGGGGTGCAGGCTGATTTTCTTTTTCCTGTGTATCTTCTACCAGGTGCTTGG-3'
Protein context (NP_078951.2, residues 515-535): KRKSACTPAS[Asp525Glu]HCEPLLPTSS